The following continues an entry in ClinVar:

NM_181523.3(PIK3R1):c.1425+1G>A

Gene: PIK3R1. ClinVar aggregate classification (germline): Pathogenic. Pathogenic (1).

Submissions 13 to 17 of 17:

GeneDx
Classification: Pathogenic. Last evaluated: 2016-12-07. Review status: criteria provided, single submitter. Criteria: GeneDx Variant Classification (06012015). Collection method: clinical testing. Allele origin: germline. Affected: yes. Not counted in ClinVar's aggregate classification.
Comment: The c.1425+1G>A pathogenic variant has been reported previously in association with PASLI disease (Lucas et al., 2014). cDNA studies indicated that c.1425+1G>A results in the skipping of exon 11 (Lucas et al., 2014). This splice site variant destroys the canonical splice donor site in intron 11. It is predicted to cause abnormal gene splicing, either leading to an abnormal message that is subject to nonsense mediated mRNA decay, or to an abnormal protein product if the message is used for protein translation. The c.1425+1G>A variant was not observed in approximately 6,400 individuals of European and African American ancestry in the NHLBI Exome Sequencing Project, indicating it is not a common benign variant in these populations. Therefore, we interpret this variant to be pathogenic.

OMIM
Classification: Pathogenic for IMMUNODEFICIENCY 36 WITH LYMPHOPROLIFERATION. Last evaluated: 2025-05-05. Review status: no assertion criteria provided. Collection method: literature only. Allele origin: germline. Not counted in ClinVar's aggregate classification.

PreventionGenetics, part of Exact Sciences
Classification: Pathogenic for PIK3R1-related condition. Last evaluated: 2024-01-11. Review status: no assertion criteria provided. Collection method: clinical testing. Allele origin: germline. Not counted in ClinVar's aggregate classification.
Comment: The PIK3R1 c.1425+1G>A variant is predicted to disrupt the GT donor site and interfere with normal splicing. This variant has been reported as a recurrent de novo mutation in multiple individuals with activated phosphoinositide 3-kinase δ syndrome type 2 (APDS2) (Lucas et al. 2014. PubMed ID: 25488983; Lougaris et al. 2015. PubMed ID: 25939554; Petrovski et al. 2016. PubMed ID: 27076228; Olbrich et al. 2016. PubMed ID: 27116393; Elkaim et al. 2016. PubMed ID: 27221134; Yazdani et al. 2019. PubMed ID: 30799802). RNA analysis has shown that this variant leads to an in-frame deletion of 42 amino acid residues, and in vitro functional studies using tranformed patient B cells have shown that this deletion leads to reduced p85α protein expression, constitutive activation of the PI3K complex, and upregulation of downstream AKT and mTOR signaling pathways (Petrovski et al. 2016. PubMed ID: 27076228). This variant has not been reported in a large population database, indicating this variant is rare. Several additional variants that disrupt the same splice donor site (c.1425+1G>C/T, +2T>A/G, +2_+3delTG, etc.) have been reported in multiple individuals with ADPS-related phenotypes (Deau et al. 2014. PubMed ID: 25133428; Elkaim et al. 2016. PubMed ID: 27221134). Variants that disrupt the consensus splice donor site in PIK3R1 are expected to be pathogenic. This variant is interpreted as pathogenic.

Dr. Peter K. Rogan Lab, Western University
No classification provided (evidence only). Condition: Gastric cancer. Review status: no classification provided. Collection method: in vitro. Allele origin: not applicable. Functional consequence: retained intron. Not counted in ClinVar's aggregate classification.

MutSpliceDB: a database of splice sites variants effects on splicing, NIH
No classification provided (evidence only). Review status: no classification provided. Collection method: in vivo. Allele origin: not applicable. Functional consequence: retained intron. Not counted in ClinVar's aggregate classification.

Literature cited by the submitters: PubMed 25488983 (cited by 4 submitters); PubMed 25939554 (cited by 4 submitters); PubMed 27076228 (cited by 5 submitters); PubMed 27116393 (cited by 4 submitters); PubMed 27693481 (cited by 3 submitters); PubMed 28302518 (cited by 3 submitters); PubMed 25133428 (cited by Ambry Genetics); PubMed 36943234 (cited by OMIM).